The following is an entry in ClinVar:

NM_001458.5(FLNC):c.7536_7548del (p.Pro2513fs)

Genes: FLNC (filamin C; plus strand), FLNC-AS1 (FLNC antisense RNA 1; minus strand). Cytogenetic location: 7q32.1.
Variant type: Deletion.
Coding change: c.7536_7548del on transcript NM_001458.5 (MANE Select); coding-DNA positions 7536 to 7548, 13 bases deleted (TCCTGGGCTCGAG).
Protein change: p.Pro2513fs; shifts the reading frame from proline 2513.
Molecular consequence: frameshift variant.
Genome position (GRCh38, 1-based): chr7:128,856,896-128,856,908, TCCTGGGCTCGAG deleted; deleting any 13 consecutive bases within chr7:128,856,895-128,856,908 gives the same sequence; the c. name uses the placement nearest the transcript's 3' end. VCF-style (leftmost placement, unchanged base first): chr7-128856894-GGTCCTGGGCTCGA-G. GRCh37 (hg19) VCF-style: chr7-128496948-GGTCCTGGGCTCGA-G.
Other names: c.7437_7449del, p.Pro2480fs (NM_001127487.2); c.7536_7548del13 (NM_001458.4); c.7536_7548delTCCTGGGCTCGAG (NM_001458.4); c.7536_7548del (NM_001458.4); short protein forms P2480fs, P2513fs.
Identifiers: ClinVar variation 539437 (VCV000539437.10), dbSNP rs1554401837, ClinGen allele CA658797007.
Genomic context (GRCh38, chr7:128,856,894, plus strand): 5'-TTCAAGATCCGCGTTGGGGAGCAGAGCCAGGCTGGGGACCCAGGCTTGGTGTCAGCCTAC[GGTCCTGGGCTCGA>G]GGGAGGCACTACCGGTGAGTGCCTGGAGCTGGGGAACAGGGTGACTTCTGGGGGTGCTTG-3'

ClinVar aggregate classification (germline): Pathogenic/Likely pathogenic. Review status: criteria provided, multiple submitters, no conflicts (2 of 4 stars). 3 submissions from 3 submitters: Pathogenic (2); Likely pathogenic (1). Last evaluated 2026-08-18.

Conditions:
Hypertrophic cardiomyopathy 26. Also called: Cardiomyopathy, familial hypertrophic, 26. Identifiers: Orphanet 75249, MedGen C4310749, MONDO:0014883, OMIM 617047.
Distal myopathy with posterior leg and anterior hand involvement. Also called: WILLIAMS DISTAL MYOPATHY. Identifiers: Orphanet 63273, MedGen C3279722, MONDO:0013550, OMIM 614065.
Myofibrillar myopathy 5. Also called: Filaminopathy (type); FILAMINOPATHY, AUTOSOMAL DOMINANT. Identifiers: Orphanet 171445, MedGen C1836050, MONDO:0012289, OMIM 609524.
Cardiovascular phenotype. Identifiers: MedGen CN230736.

Submissions (3):

GeneDx
Classification: Likely pathogenic. Last evaluated: 2026-08-18. Review status: criteria provided, single submitter. Criteria: GeneDx Variant Classification Process June 2021. Collection method: clinical testing. Allele origin: germline.
Comment: Frameshift variant predicted to result in protein truncation or nonsense mediated decay in a gene for which loss of function is a known mechanism of disease; Reported in two siblings with a history of premature ventricular contractions and a significant family history of multiple relatives with sudden cardiac death and/or long QT syndrome; segregation testing in the affected relatives could not be completed (PMID: 30118858); Not observed at significant frequency in large population cohorts (gnomAD); This variant is associated with the following publications: (PMID: 30118858)

Labcorp Genetics (formerly Invitae), Labcorp
Classification: Pathogenic for Distal myopathy with posterior leg and anterior hand involvement; Myofibrillar myopathy 5; Hypertrophic cardiomyopathy 26. Last evaluated: 2026-01-16. Review status: criteria provided, single submitter. Criteria: Invitae Variant Classification Sherloc (09022015). Collection method: clinical testing. Allele origin: germline.
Comment: This sequence change creates a premature translational stop signal (p.Pro2513Glufs*12) in the FLNC gene. It is expected to result in an absent or disrupted protein product. Loss-of-function variants in FLNC are known to be pathogenic (PMID: 27908349). This variant is not present in population databases (gnomAD no frequency). This premature translational stop signal has been observed in individual(s) with arrhythmia (PMID: 30118858). ClinVar contains an entry for this variant (Variation ID: 539437). For these reasons, this variant has been classified as Pathogenic.

Ambry Genetics
Classification: Pathogenic for Cardiovascular phenotype. Last evaluated: 2024-01-22. Review status: criteria provided, single submitter. Criteria: Ambry Variant Classification Scheme 2023. Collection method: clinical testing. Allele origin: germline.
Comment: The c.7536_7548del13 pathogenic mutation, located in coding exon 45 of the FLNC gene, results from a deletion of 13 nucleotides at nucleotide positions 7536 to 7548, causing a translational frameshift with a predicted alternate stop codon (p.P2513Efs*12). This variant is considered to be rare based on population cohorts in the Genome Aggregation Database (gnomAD). This alteration is expected to result in loss of function by premature protein truncation or nonsense-mediated mRNA decay. Based on the supporting evidence, this variant is expected to be causative of FLNC-related dilated cardiomyopathy; however, its clinical significance for FLNC-related hypertrophic/restrictive cardiomyopathy and/or skeletal myopathy is unclear.

Literature cited by the submitters: PubMed 27908349 (cited by Labcorp Genetics (formerly Invitae), Labcorp); PubMed 30118858 (cited by Labcorp Genetics (formerly Invitae), Labcorp and Ambry Genetics).